The following is an entry in ClinVar:

ClinVar aggregate classification (germline): Uncertain significance (1 of 4 stars; one submission).

Conditions:
Cystic fibrosis (CF). Also called: MUCOVISCIDOSIS. Identifiers: Orphanet 586, MedGen C0010674, MONDO:0009061, OMIM 219700. Disease mechanism: loss of function.

Allele frequency attached by ClinVar (database versions not stated): gnomAD exomes 0.00001.
gnomAD v4.1: 3 of 1,613,500 alleles (0.00019%); highest among the groups gnomAD compares: South Asian, 0.0033%; no homozygotes.

Submission:

Ambry Genetics
Classification: Uncertain significance for Cystic fibrosis. Last evaluated: 2023-11-15. Review status: criteria provided, single submitter. Criteria: Ambry Variant Classification Scheme 2023. Collection method: clinical testing. Allele origin: germline.
Comment: The p.K1183E variant (also known as c.3547A>G), located in coding exon 22 of the CFTR gene, results from an A to G substitution at nucleotide position 3547. The lysine at codon 1183 is replaced by glutamic acid, an amino acid with similar properties. This amino acid position is conserved. In addition, the in silico prediction for this alteration is inconclusive. Since supporting evidence is limited at this time, the clinical significance of this alteration remains unclear.

NM_000492.4(CFTR):c.3547A>G (p.Lys1183Glu)

Genes: CFTR (CF transmembrane conductance regulator; plus strand), CFTR-AS2 (CFTR antisense RNA 2; minus strand). Cytogenetic location: 7q31.2.
Variant type: single nucleotide variant.
Coding change: c.3547A>G on transcript NM_000492.4 (MANE Select); coding-DNA position 3547, A replaced by G.
Protein change: p.Lys1183Glu; replaces lysine 1183 with glutamic acid.
Molecular consequence: missense variant.
Genome position (GRCh38, 1-based): chr7:117,627,600, A>G. VCF-style: chr7-117627600-A-G. GRCh37 (hg19) VCF-style: chr7-117267654-A-G.
Other names: short protein forms K1183E.
Identifiers: ClinVar variation 3231891 (VCV003231891.1), dbSNP rs2485146248, ClinGen allele CA368996347.